The following is an entry in ClinVar:

ClinVar aggregate classification (germline): Pathogenic (1 of 4 stars; one submission).

Submission:

Labcorp Genetics (formerly Invitae), Labcorp
Classification: Pathogenic. Last evaluated: 2023-05-04. Review status: criteria provided, single submitter. Criteria: Invitae Variant Classification Sherloc (09022015). Collection method: clinical testing. Allele origin: unknown.
Comment: For these reasons, this variant has been classified as Pathogenic. This variant has been observed in individual(s) with clinical features of retinitis pigmentosa (Invitae). In at least one individual the data is consistent with being in trans (on the opposite chromosome) from a pathogenic variant. This variant results in the deletion of part of exon 15 (c.2016_2079+2991del) of the MERTK gene. It is expected to disrupt RNA splicing. Variants that disrupt the donor or acceptor splice site typically lead to a loss of protein function (PMID: 16199547), and loss-of-function variants in MERTK are known to be pathogenic (PMID: 24265693, 29659094).

Literature cited by the submitters: PubMed 16199547; PubMed 24265693; PubMed 29659094.

NC_000002.11:g.(?_112767580)_(112770634_?)del

Gene: MERTK (MER proto-oncogene, tyrosine kinase; plus strand). Cytogenetic location: 2q13.
Variant type: Deletion.
Identifiers: ClinVar variation 3247538 (VCV003247538.1).